The following is an entry in ClinVar:

ClinVar aggregate classification (germline): Uncertain significance (1 of 4 stars; one submission).

Allele frequency attached by ClinVar (database versions not stated): gnomAD exomes below 0.00001.
gnomAD v4.1: 1 of 1,606,270 alleles (0.000062%); highest among the groups gnomAD compares: African/African-American, 0.0013%; no homozygotes.

Submission:

Labcorp Genetics (formerly Invitae), Labcorp
Classification: Uncertain significance. Last evaluated: 2024-11-18. Review status: criteria provided, single submitter. Criteria: Invitae Variant Classification Sherloc (09022015). Collection method: clinical testing. Allele origin: germline.
Comment: This sequence change falls in intron 9 of the GPR179 gene. It does not directly change the encoded amino acid sequence of the GPR179 protein. It affects a nucleotide within the consensus splice site. This variant is not present in population databases (gnomAD no frequency). This variant has not been reported in the literature in individuals affected with GPR179-related conditions. ClinVar contains an entry for this variant (Variation ID: 1950803). Variants that disrupt the consensus splice site are a relatively common cause of aberrant splicing (PMID: 17576681, 9536098). Algorithms developed to predict the effect of sequence changes on RNA splicing suggest that this variant is not likely to affect RNA splicing. In summary, the available evidence is currently insufficient to determine the role of this variant in disease. Therefore, it has been classified as a Variant of Uncertain Significance.

Literature cited by the submitters: PubMed 17576681; PubMed 9536098.

NM_001004334.4(GPR179):c.1890+6G>T

Gene: GPR179 (G protein-coupled receptor 179; minus strand). Cytogenetic location: 17q12.
Variant type: single nucleotide variant.
Coding change: c.1890+6G>T on transcript NM_001004334.4 (MANE Select); 6 bases into the intron after coding-DNA position 1890, G replaced by T.
Molecular consequence: intron variant.
Genome position (GRCh38, 1-based): chr17:38,333,927, C>A on the plus strand (G>T on the coding strand, the complement: GPR179 is on the minus strand). VCF-style: chr17-38333927-C-A. GRCh37 (hg19) VCF-style: chr17-36489810-C-A.
Identifiers: ClinVar variation 1950803 (VCV001950803.4), dbSNP rs1434907397, ClinGen allele CA771713619.